The following is an entry in ClinVar:

NM_198576.4(AGRN):c.3895G>A (p.Ala1299Thr)

Gene: AGRN (agrin; plus strand). Cytogenetic location: 1p36.33.
Variant type: single nucleotide variant.
Coding change: c.3895G>A on transcript NM_198576.4 (MANE Select); coding-DNA position 3895, G replaced by A.
Protein change: p.Ala1299Thr; replaces alanine 1299 with threonine.
Molecular consequence: missense variant.
Genome position (GRCh38, 1-based): chr1:1,048,155, G>A. VCF-style: chr1-1048155-G-A. GRCh37 (hg19) VCF-style: chr1-983535-G-A.
Other names: c.3895G>A, p.Ala1299Thr (NM_001305275.2); c.3580G>A, p.Ala1194Thr (NM_001364727.2); short protein forms A1194T, A1299T.
Identifiers: ClinVar variation 4734777 (VCV004734777.1).

ClinVar aggregate classification (germline): Uncertain significance (1 of 4 stars; one submission).

Conditions:
Congenital myasthenic syndrome 8. Also called: Myasthenic syndrome, congenital, 8, with pre- and postsynaptic defects; MYASTHENIC SYNDROME, CONGENITAL, DUE TO AGRIN DEFICIENCY. Identifiers: Orphanet 590, MedGen C3808739, MONDO:0014052, OMIM 615120.

Submission:

Labcorp Genetics (formerly Invitae), Labcorp
Classification: Uncertain significance for Congenital myasthenic syndrome 8. Last evaluated: 2026-01-06. Review status: criteria provided, single submitter. Criteria: Invitae Variant Classification Sherloc (09022015). Collection method: clinical testing. Allele origin: germline.
Comment: This sequence change replaces alanine, which is neutral and non-polar, with threonine, which is neutral and polar, at codon 1299 of the AGRN protein (p.Ala1299Thr). This variant is not present in population databases (gnomAD no frequency). This variant has not been reported in the literature in individuals affected with AGRN-related conditions. An algorithm developed to predict the effect of missense changes on protein structure and function (PolyPhen-2) suggests that this variant is likely to be tolerated. In summary, the available evidence is currently insufficient to determine the role of this variant in disease. Therefore, it has been classified as a Variant of Uncertain Significance.